The following is an entry in ClinVar:

NM_022437.3(ABCG8):c.57T>G (p.Asp19Glu)

Genes: ABCG5 (ATP binding cassette subfamily G member 5; minus strand), ABCG8 (ATP binding cassette subfamily G member 8; plus strand). Cytogenetic location: 2p21.
Variant type: single nucleotide variant.
Coding change: c.57T>G on transcript NM_022437.3 (MANE Select); coding-DNA position 57, T replaced by G.
Protein change: p.Asp19Glu; replaces aspartic acid 19 with glutamic acid.
Molecular consequence: missense variant.
Genome position (GRCh38, 1-based): chr2:43,839,110, T>G. VCF-style: chr2-43839110-T-G. GRCh37 (hg19) VCF-style: chr2-44066249-T-G.
Other names: c.57T>G, p.Asp19Glu (NM_001357321.2); short protein forms D19E.
Identifiers: ClinVar variation 3420446 (VCV003420446.1).

ClinVar aggregate classification (germline): Uncertain significance (1 of 4 stars; one submission).

Conditions:
Cardiovascular phenotype. Identifiers: MedGen CN230736.

gnomAD v4.1: 1 of 1,551,186 alleles (0.000064%); highest among the groups gnomAD compares: Non-Finnish European, 0.000087%; no homozygotes.

Submission:

Ambry Genetics
Classification: Uncertain significance for Cardiovascular phenotype. Last evaluated: 2024-11-27. Review status: criteria provided, single submitter. Criteria: Ambry Variant Classification Scheme 2023. Collection method: clinical testing. Allele origin: germline.
Comment: The p.D19E variant (also known as c.57T>G), located in coding exon 1 of the ABCG8 gene, results from a T to G substitution at nucleotide position 57. The aspartic acid at codon 19 is replaced by glutamic acid, an amino acid with highly similar properties. This amino acid position is conserved. In addition, this alteration is predicted to be tolerated by in silico analysis. Based on the available evidence, the clinical significance of this variant remains unclear.